The following is an entry in ClinVar:

ClinVar aggregate classification (germline): Uncertain significance. Review status: criteria provided, multiple submitters, no conflicts (2 of 4 stars). 5 submissions from 5 submitters: Uncertain significance (5). Last evaluated 2026-06-23.

Conditions:
COL18A1-related disorder. Also called: COL18A1-related condition; COL18A1-related disorders.
Inborn genetic diseases. Identifiers: MedGen C0950123, MeSH D030342.

Allele frequency attached by ClinVar (database versions not stated): TOPMed 0.00006; gnomAD exomes 0.00007; gnomAD 0.00008 and 0.00009.
gnomAD v4.1: 102 of 1,549,852 alleles (0.0066%); highest among the groups gnomAD compares: Admixed American, 0.022%; no homozygotes.

Submissions (5):

PreventionGenetics, part of Exact Sciences
Classification: Uncertain significance for COL18A1-related condition. Last evaluated: 2026-06-23. Review status: criteria provided, single submitter. Criteria: ACMG Guidelines, 2015. Collection method: clinical testing. Allele origin: germline.
Comment: The COL18A1 c.2596C>T variant is predicted to result in the amino acid substitution p.Arg866Trp. To our knowledge, this variant has not been reported in the literature. This variant is reported in 0.013% of alleles in individuals of African descent in gnomAD. At this time, the clinical significance of this variant is uncertain due to the absence of conclusive functional and genetic evidence.

Blueprint Genetics
Classification: Uncertain significance. Last evaluated: 2024-04-12. Review status: criteria provided, single submitter. Criteria: ACMG Guidelines, 2015. Collection method: clinical testing. Allele origin: germline.

Ambry Genetics
Classification: Uncertain significance for Inborn genetic diseases. Last evaluated: 2023-10-27. Review status: criteria provided, single submitter. Criteria: Ambry Variant Classification Scheme 2023. Collection method: clinical testing. Allele origin: germline.

Labcorp Genetics (formerly Invitae), Labcorp
Classification: Uncertain significance. Last evaluated: 2022-10-28. Review status: criteria provided, single submitter. Criteria: Invitae Variant Classification Sherloc (09022015). Collection method: clinical testing. Allele origin: germline.
Comment: This sequence change replaces arginine, which is basic and polar, with tryptophan, which is neutral and slightly polar, at codon 686 of the COL18A1 protein (p.Arg686Trp). This variant is present in population databases (rs747007399, gnomAD 0.01%). This variant has not been reported in the literature in individuals affected with COL18A1-related conditions. ClinVar contains an entry for this variant (Variation ID: 1347060). Experimental studies and prediction algorithms are not available or were not evaluated, and the functional significance of this variant is currently unknown. In summary, the available evidence is currently insufficient to determine the role of this variant in disease. Therefore, it has been classified as a Variant of Uncertain Significance.

GeneDx
Classification: Uncertain significance. Last evaluated: 2022-08-19. Review status: criteria provided, single submitter. Criteria: GeneDx Variant Classification Process June 2021. Collection method: clinical testing. Allele origin: germline. Affected: yes.
Comment: In silico analysis supports that this missense variant has a deleterious effect on protein structure/function; Has not been previously published as pathogenic or benign to our knowledge

NM_001379500.1(COL18A1):c.2056C>T (p.Arg686Trp)

Gene: COL18A1 (collagen type XVIII alpha 1 chain; plus strand). Cytogenetic location: 21q22.3.
Variant type: single nucleotide variant.
Coding change: c.2056C>T on transcript NM_001379500.1 (MANE Select); coding-DNA position 2056, C replaced by T.
Protein change: p.Arg686Trp; replaces arginine 686 with tryptophan.
Molecular consequence: missense variant.
Genome position (GRCh38, 1-based): chr21:45,490,860, C>T. VCF-style: chr21-45490860-C-T. GRCh37 (hg19) VCF-style: chr21-46910774-C-T.
Other names: NM_130445.2:c.2056C>T; c.2596C>T (NM_030582.3); c.2596C>T, p.Arg866Trp (NM_030582.4); c.3301C>T, p.Arg1101Trp (NM_130444.3); short protein forms R686W, R866W, R1101W.
Identifiers: ClinVar variation 1347060 (VCV001347060.6), dbSNP rs747007399, ClinGen allele CA321919058.